The following is an entry in ClinVar:

ClinVar aggregate classification (germline): Likely pathogenic (1 of 4 stars; one submission).

Allele frequency attached by ClinVar (database versions not stated): gnomAD exomes below 0.00001.
gnomAD v4.1: 1 of 1,613,956 alleles (0.000062%); highest among the groups gnomAD compares: Non-Finnish European, 0.000085%; no homozygotes.

Submission:

GeneDx
Classification: Likely pathogenic. Last evaluated: 2024-10-11. Review status: criteria provided, single submitter. Criteria: GeneDx Variant Classification Process June 2021. Collection method: clinical testing. Allele origin: germline.
Comment: Reported in association with MODY in published literature (PMID: 36504295); Located in the critical DNA binding domain (PMID: 12453420, 18003757); Not observed at significant frequency in large population cohorts (gnomAD); In silico analysis supports that this missense variant has a deleterious effect on protein structure/function; This variant is associated with the following publications: (PMID: 12453420, 18003757, 36504295)

NM_000545.8(HNF1A):c.518T>C (p.Val173Ala)

Gene: HNF1A (HNF1 homeobox A; plus strand). Cytogenetic location: 12q24.31.
Variant type: single nucleotide variant.
Coding change: c.518T>C on transcript NM_000545.8 (MANE Select); coding-DNA position 518, T replaced by C.
Protein change: p.Val173Ala; replaces valine 173 with alanine.
Molecular consequence: missense variant.
Genome position (GRCh38, 1-based): chr12:120,989,024, T>C. VCF-style: chr12-120989024-T-C. GRCh37 (hg19) VCF-style: chr12-121426827-T-C.
Other names: c.518T>C, p.Val173Ala (NM_001306179.2, NM_001406915.1); short protein forms V173A.
Identifiers: ClinVar variation 2662839 (VCV002662839.2), dbSNP rs2499987989, ClinGen allele CA386960768.